The following is an entry in ClinVar:

ClinVar aggregate classification (germline): Uncertain significance (1 of 4 stars; one submission).

Allele frequency attached by ClinVar (database versions not stated): gnomAD 0.00001; gnomAD exomes 0.00001 and 0.00002; ExAC 0.00002.
gnomAD v4.1: 13 of 1,536,340 alleles (0.00085%); highest among the groups gnomAD compares: South Asian, 0.013%; no homozygotes.

Submission:

Labcorp Genetics (formerly Invitae), Labcorp
Classification: Uncertain significance. Last evaluated: 2021-08-25. Review status: criteria provided, single submitter. Criteria: Invitae Variant Classification Sherloc (09022015). Collection method: clinical testing. Allele origin: germline.
Comment: This variant has not been reported in the literature in individuals affected with SEC63-related conditions. Algorithms developed to predict the effect of missense changes on protein structure and function (SIFT, PolyPhen-2, Align-GVGD) all suggest that this variant is likely to be tolerated. In summary, the available evidence is currently insufficient to determine the role of this variant in disease. Therefore, it has been classified as a Variant of Uncertain Significance. This sequence change replaces threonine with isoleucine at codon 73 of the SEC63 protein (p.Thr73Ile). The threonine residue is moderately conserved and there is a moderate physicochemical difference between threonine and isoleucine. This variant is present in population databases (rs764482522, ExAC 0.02%).

NM_007214.5(SEC63):c.218C>T (p.Thr73Ile)

Gene: SEC63 (SEC63 protein translocation regulator; minus strand). Cytogenetic location: 6q21.
Variant type: single nucleotide variant.
Coding change: c.218C>T on transcript NM_007214.5 (MANE Select); coding-DNA position 218, C replaced by T.
Protein change: p.Thr73Ile; replaces threonine 73 with isoleucine.
Molecular consequence: missense variant.
Genome position (GRCh38, 1-based): chr6:107,929,421, G>A on the plus strand (C>T on the coding strand, the complement: SEC63 is on the minus strand). VCF-style: chr6-107929421-G-A. GRCh37 (hg19) VCF-style: chr6-108250625-G-A.
Other names: short protein forms T73I.
Identifiers: ClinVar variation 1371967 (VCV001371967.6), dbSNP rs764482522, ClinGen allele CA3947816.
Genomic context (GRCh38, chr6:107,929,421, plus strand): 5'-ACCTAGCAAAGAGTAAGCATTAAGTAGGTTTTTTTCTTGAAATCCATTACTTACTTTACT[G>A]TAGGAATAATATTTGGCTGGGGTTTTAATAACCGTAAACGATACCACATACACCTTCCAT-3'
Protein context (NP_009145.1, residues 63-83): LLKPQPNIIP[Thr73Ile]VKKIVLLAGW